The following is an entry in ClinVar:

ClinVar aggregate classification (germline): Uncertain significance (1 of 4 stars; one submission).

Conditions:
Tumor predisposition syndrome 3 (TPDS3). Also called: Melanoma, cutaneous malignant, susceptibility to, 10; LONG TELOMERE SYNDROME, POT1-RELATED; POT1 Tumor Predisposition; Glioma susceptibility 9. Identifiers: Orphanet 618, MedGen C4014476, MONDO:0014368, OMIM 615848.

Submission:

Labcorp Genetics (formerly Invitae), Labcorp
Classification: Uncertain significance for Tumor predisposition syndrome 3. Last evaluated: 2022-07-12. Review status: criteria provided, single submitter. Criteria: Invitae Variant Classification Sherloc (09022015). Collection method: clinical testing. Allele origin: germline.
Comment: ClinVar contains an entry for this variant (Variation ID: 1460762). This variant has not been reported in the literature in individuals affected with POT1-related conditions. This variant is not present in population databases (gnomAD no frequency). This sequence change replaces isoleucine, which is neutral and non-polar, with leucine, which is neutral and non-polar, at codon 114 of the POT1 protein (p.Ile114Leu). Algorithms developed to predict the effect of missense changes on protein structure and function (SIFT, PolyPhen-2, Align-GVGD) all suggest that this variant is likely to be tolerated. In summary, the available evidence is currently insufficient to determine the role of this variant in disease. Therefore, it has been classified as a Variant of Uncertain Significance.

NM_015450.3(POT1):c.340A>C (p.Ile114Leu)

Gene: POT1 (protection of telomeres 1; minus strand). Cytogenetic location: 7q31.33.
Variant type: single nucleotide variant.
Coding change: c.340A>C on transcript NM_015450.3 (MANE Select); coding-DNA position 340, A replaced by C.
Protein change: p.Ile114Leu; replaces isoleucine 114 with leucine.
Molecular consequence: missense variant. On other transcripts: 5 prime UTR variant (1), non-coding transcript variant (3).
Genome position (GRCh38, 1-based): chr7:124,863,556, T>G on the plus strand (A>C on the coding strand, the complement: POT1 is on the minus strand). VCF-style: chr7-124863556-T-G. GRCh37 (hg19) VCF-style: chr7-124503610-T-G.
Other names: c.-54A>C (NM_001042594.2); short protein forms I114L.
Identifiers: ClinVar variation 1460762 (VCV001460762.6), dbSNP rs146552802, ClinGen allele CA369060037.
Genomic context (GRCh38, chr7:124,863,556, plus strand): 5'-CTACCATTTTGTGGTCCTCAGTAGTGAAGTTAAAATACTTGCTTGAAGTGCGAGGTATGA[T>G]AGGGGCTCCCAAAGTTCCCTCAAACGTCAAAGATGCAAAGCCAGAGCTGGTGATACCCTG-3'
Protein context (NP_056265.2, residues 104-124): LTFEGTLGAP[Ile114Leu]IPRTSSKYFN